The following is an entry in ClinVar:

NM_001256789.3(CACNA1F):c.2151C>A (p.Phe717Leu)

Gene: CACNA1F (calcium voltage-gated channel subunit alpha1 F; minus strand). Cytogenetic location: Xp11.23.
Variant type: single nucleotide variant.
Coding change: c.2151C>A on transcript NM_001256789.3 (MANE Select); coding-DNA position 2151, C replaced by A.
Protein change: p.Phe717Leu; replaces phenylalanine 717 with leucine.
Molecular consequence: missense variant.
Genome position (GRCh38, 1-based): chrX:49,222,773, G>T on the plus strand (C>A on the coding strand, the complement: CACNA1F is on the minus strand). VCF-style: chrX-49222773-G-T. GRCh37 (hg19) VCF-style: chrX-49079232-G-T.
Other names: c.1989C>A, p.Phe663Leu (NM_001256790.3); c.2184C>A, p.Phe728Leu (NM_005183.4); short protein forms F663L, F717L, F728L.
Identifiers: ClinVar variation 4775273 (VCV004775273.1).
Genomic context (GRCh38, chrX:49,222,773, plus strand): 5'-GATACAGTTGCCACAGATGAAGAGAATGATGAAATAGATGCACACCAACATTCCTGGGAA[G>T]AAGGGGCCACCATATGCCATGATACCATCATACATGACCACGTTCCAGTCCTCACCTGTC-3'
Protein context (NP_001243718.1, residues 707-727): YDGIMAYGGP[Phe717Leu]FPGMLVCIYF

ClinVar aggregate classification (germline): Uncertain significance (1 of 4 stars; one submission).

gnomAD v4.1: 8 of 1,208,081 alleles (0.00066%); highest among the groups gnomAD compares: East Asian, 0.024%; no homozygotes.

Submission:

Labcorp Genetics (formerly Invitae), Labcorp
Classification: Uncertain significance. Last evaluated: 2025-10-15. Review status: criteria provided, single submitter. Criteria: Invitae Variant Classification Sherloc (09022015). Collection method: clinical testing. Allele origin: germline.
Comment: This sequence change replaces phenylalanine, which is neutral and non-polar, with leucine, which is neutral and non-polar, at codon 728 of the CACNA1F protein (p.Phe728Leu). This variant is present in population databases (rs782557144, gnomAD 0.08%), and has an allele count higher than expected for a pathogenic variant. This variant has not been reported in the literature in individuals affected with CACNA1F-related conditions. An algorithm developed to predict the effect of missense changes on protein structure and function (PolyPhen-2) suggests that this variant is likely to be disruptive. In summary, the available evidence is currently insufficient to determine the role of this variant in disease. Therefore, it has been classified as a Variant of Uncertain Significance.